The following is an entry in ClinVar:

ClinVar aggregate classification (germline): Uncertain significance. Review status: criteria provided, multiple submitters, no conflicts (2 of 4 stars). 3 submissions from 3 submitters: Uncertain significance (2). 1 of the submissions does not count toward it. Last evaluated 2024-10-28.

Conditions:
Leukodystrophy, hypomyelinating, 8, with or without oligodontia and/or hypogonadotropic hypogonadism. Also called: LEUKODYSTROPHY, HYPOMYELINATING, 8, WITH HYPODONTIA AND HYPOGONADOTROPIC HYPOGONADISM; Hypomyelinating leukodystrophy 8 with or without oligodontia and-or hypogonadotropic hypogonadism; Endosteal sclerosis-cerebellar hypoplasia syndrome. Identifiers: Orphanet 85186, Orphanet 88637, MedGen C3280644, MONDO:0013722, OMIM 614381.

Allele frequency attached by ClinVar (database versions not stated): gnomAD exomes 0.00001; ExAC 0.00001.
gnomAD v4.1: 9 of 1,605,148 alleles (0.00056%); highest among the groups gnomAD compares: Non-Finnish European, 0.00051%; no homozygotes.

Submissions (3):

GeneDx
Classification: Uncertain significance. Last evaluated: 2024-10-28. Review status: criteria provided, single submitter. Criteria: GeneDx Variant Classification Process June 2021. Collection method: clinical testing. Allele origin: germline. Affected: yes.
Comment: Identified with a pathogenic variant in a patient diagnosed with 4H leukodystrophy, but it is not known whether the variants occurred on the same (in cis) or on different (in trans) chromsoomes (PMID: 25339210); In silico analysis supports that this missense variant has a deleterious effect on protein structure/function; This variant is associated with the following publications: (PMID: 25339210)

Broad Center for Mendelian Genomics, Broad Institute of MIT and Harvard
Classification: Uncertain significance for Leukodystrophy, hypomyelinating, 8, with or without oligodontia and/or hypogonadotropic hypogonadism. Last evaluated: 2022-02-28. Review status: criteria provided, single submitter. Criteria: ACMG Guidelines, 2015. Collection method: curation. Allele origin: germline. Inheritance: Autosomal recessive inheritance.
Comment: The p.Asp634Asn variant in POLR3B has been reported in 1 individual in the compound heterozygous state with 4H leukodystrophy (PMID: 25339210) and has been identified in 0.005% (1/21600) of European (Finnish) chromosomes by the Genome Aggregation Database (gnomAD; dbSNP ID: rs781671613). Although this variant has been seen in the general population in a heterozygous state, its frequency is low enough to be consistent with a recessive carrier frequency. This variant has also been reported in ClinVar (Variation ID#: 1184065) and has been interpreted as pathogenic by GeneReviews. Computational prediction tools and conservation analyses suggest that this variant may impact the protein, though this information is not predictive enough to determine pathogenicity. The number of missense variants reported in POLR3B in the general population is lower than expected, suggesting there is little benign variation in this gene and slightly increasing the possibility that a missense variant in this gene may not be tolerated. In summary, the clinical significance of the p.Asp634Asn variant is uncertain. ACMG/AMP Criteria applied: PM2_supporting, PP3, PP2, PM3_supporting (Richards 2015).

GeneReviews
No classification provided. Condition: Leukodystrophy, hypomyelinating, 8, with or without oligodontia and/or hypogonadotropic hypogonadism. Review status: no classification provided. Collection method: literature only. Allele origin: germline. Not counted in ClinVar's aggregate classification.

Literature cited by the submitters: PubMed 25339210 (cited by GeneReviews); PubMed 22855961 (cited by GeneReviews).

NM_018082.6(POLR3B):c.1900G>A (p.Asp634Asn)

Gene: POLR3B (RNA polymerase III subunit B; plus strand). Cytogenetic location: 12q23.3.
Variant type: single nucleotide variant.
Coding change: c.1900G>A on transcript NM_018082.6 (MANE Select); coding-DNA position 1900, G replaced by A.
Protein change: p.Asp634Asn; replaces aspartic acid 634 with asparagine.
Molecular consequence: missense variant.
Genome position (GRCh38, 1-based): chr12:106,437,724, G>A. VCF-style: chr12-106437724-G-A. GRCh37 (hg19) VCF-style: chr12-106831502-G-A.
Other names: NM_018082.6(POLR3B):c.1900G>A; p.Asp634Asn; c.1726G>A, p.Asp576Asn (NM_001160708.2); short protein forms D576N, D634N.
Identifiers: ClinVar variation 1184065 (VCV001184065.5), dbSNP rs781671613, ClinGen allele CA6762061.